The following is an entry in ClinVar:

ClinVar aggregate classification (germline): Uncertain significance (1 of 4 stars; one submission).

Submission:

Labcorp Genetics (formerly Invitae), Labcorp
Classification: Uncertain significance. Last evaluated: 2022-06-08. Review status: criteria provided, single submitter. Criteria: Invitae Variant Classification Sherloc (09022015). Collection method: clinical testing. Allele origin: germline.
Comment: This variant is present in population databases (no rsID available, gnomAD 0.0009%). In summary, the available evidence is currently insufficient to determine the role of this variant in disease. Therefore, it has been classified as a Variant of Uncertain Significance. Variants that disrupt the consensus splice site are a relatively common cause of aberrant splicing (PMID: 17576681, 9536098). Algorithms developed to predict the effect of sequence changes on RNA splicing suggest that this variant may disrupt the consensus splice site. This variant has not been reported in the literature in individuals affected with ADSSL1-related conditions. This sequence change affects a donor splice site in intron 12 of the ADSSL1 gene. While this variant is not anticipated to result in nonsense mediated decay, it likely alters RNA splicing and results in a disrupted protein product.

Literature cited by the submitters: PubMed 17576681; PubMed 9536098.

NM_152328.5(ADSS1):c.1321+1G>C

Gene: ADSS1 (adenylosuccinate synthase 1; plus strand). Cytogenetic location: 14q32.33.
Variant type: single nucleotide variant.
Coding change: c.1321+1G>C on transcript NM_152328.5 (MANE Select); the canonical splice donor site of the intron after coding-DNA position 1321, G replaced by C.
Molecular consequence: splice donor variant.
Genome position (GRCh38, 1-based): chr14:104,746,386, G>C. VCF-style: chr14-104746386-G-C. GRCh37 (hg19) VCF-style: chr14-105212723-G-C.
Other names: c.1450+1G>C (NM_199165.2); c.706+1G>C (NM_001320424.1).
Identifiers: ClinVar variation 2175661 (VCV002175661.2), dbSNP rs773930435, ClinGen allele CA267337774.
Genomic context (GRCh38, chr14:104,746,386, plus strand): 5'-ACCTGCCCCCACAGGCCCAGAACTACATCCGCTTTGTGGAGAATCACGTGGGAGTCGCAG[G>C]TGGGTGCCCTGCATCCCCAGCCACCCTCCCTGCACCCTGGATGCCCCAAGGGGCCCACAT-3'